The following is an entry in ClinVar:

NM_001283009.2(RTEL1):c.253G>A (p.Ala85Thr)

Genes: RTEL1-TNFRSF6B (RTEL1-TNFRSF6B readthrough (NMD candidate); plus strand), RTEL1 (regulator of telomere elongation helicase 1; plus strand). Cytogenetic location: 20q13.33.
Variant type: single nucleotide variant.
Coding change: c.253G>A on transcript NM_001283009.2 (MANE Select); coding-DNA position 253, G replaced by A.
Protein change: p.Ala85Thr; replaces alanine 85 with threonine.
Molecular consequence: missense variant. On other transcripts: non-coding transcript variant (1), 5 prime UTR variant (1).
Genome position (GRCh38, 1-based): chr20:63,661,448, G>A. VCF-style: chr20-63661448-G-A. GRCh37 (hg19) VCF-style: chr20-62292801-G-A.
Other names: c.-417G>A (NM_001283010.1); c.253G>A, p.Ala85Thr (NM_016434.4, NM_032957.5); short protein forms A85T.
Identifiers: ClinVar variation 2926499 (VCV002926499.4), dbSNP rs771595275, ClinGen allele CA9964158.
Genomic context (GRCh38, chr20:63,661,448, plus strand): 5'-GACGGCATCTCTGCCCGCAAGATTGCCGAGAGGGCGCAAGGAGAGCTTTTCCCGGATCGG[G>A]CCTTGTCATCCTGGGGCAACGCTGCTGCTGCTGCTGGAGACCCCATAGGTGACCCTAGTT-3'
Protein context (NP_001269938.1, residues 75-95): RAQGELFPDR[Ala85Thr]LSSWGNAAAA

ClinVar aggregate classification (germline): Uncertain significance. Review status: criteria provided, multiple submitters, no conflicts (2 of 4 stars). 2 submissions from 2 submitters: Uncertain significance (2). Last evaluated 2025-04-04.

Conditions:
Inborn genetic diseases. Identifiers: MedGen C0950123, MeSH D030342.
Dyskeratosis congenita, autosomal recessive 5 (DKCB5). Identifiers: MedGen C3554656, MONDO:0014076, OMIM 615190.
Pulmonary fibrosis and/or bone marrow failure, Telomere-related, 3. Also called: PULMONARY FIBROSIS AND/OR BONE MARROW FAILURE SYNDROME, TELOMERE-RELATED, 3. Identifiers: Orphanet 2032, MedGen C4225346, MONDO:0014613, OMIM 616373.

Allele frequency attached by ClinVar (database versions not stated): ExAC 0.00001; gnomAD exomes 0.00002.
gnomAD v4.1: 25 of 1,613,514 alleles (0.0015%); highest among the groups gnomAD compares: Non-Finnish European, 0.002%; no homozygotes.

Submissions (2):

Ambry Genetics
Classification: Uncertain significance for Inborn genetic diseases. Last evaluated: 2025-04-04. Review status: criteria provided, single submitter. Criteria: Ambry Variant Classification Scheme 2023. Collection method: clinical testing. Allele origin: germline.
Comment: The p.A85T variant (also known as c.253G>A), located in coding exon 2 of the RTEL1 gene, results from a G to A substitution at nucleotide position 253. The alanine at codon 85 is replaced by threonine, an amino acid with similar properties. This amino acid position is conserved. In addition, this alteration is predicted to be tolerated by in silico analysis. Based on the available evidence, the clinical significance of this variant remains unclear.

Labcorp Genetics (formerly Invitae), Labcorp
Classification: Uncertain significance for Dyskeratosis congenita, autosomal recessive 5; Pulmonary fibrosis and/or bone marrow failure, Telomere-related, 3. Last evaluated: 2023-08-16. Review status: criteria provided, single submitter. Criteria: Invitae Variant Classification Sherloc (09022015). Collection method: clinical testing. Allele origin: germline.
Comment: This variant has not been reported in the literature in individuals affected with RTEL1-related conditions. The frequency data for this variant in the population databases is considered unreliable, as metrics indicate poor data quality at this position in the gnomAD database. This sequence change replaces alanine, which is neutral and non-polar, with threonine, which is neutral and polar, at codon 85 of the RTEL1 protein (p.Ala85Thr). Algorithms developed to predict the effect of missense changes on protein structure and function output the following: SIFT: "Not Available"; PolyPhen-2: "Benign"; Align-GVGD: "Not Available". The threonine amino acid residue is found in multiple mammalian species, which suggests that this missense change does not adversely affect protein function. In summary, the available evidence is currently insufficient to determine the role of this variant in disease. Therefore, it has been classified as a Variant of Uncertain Significance.